The following is an entry in ClinVar:

NM_032575.3(GLIS2):c.693C>T (p.Asn231=)

Gene: GLIS2 (GLIS family zinc finger 2; plus strand). Cytogenetic location: 16p13.3.
Variant type: single nucleotide variant.
Coding change: c.693C>T on transcript NM_032575.3 (MANE Select); coding-DNA position 693, C replaced by T.
Protein change: p.Asn231=; no amino-acid change (asparagine 231 retained).
Molecular consequence: synonymous variant.
Genome position (GRCh38, 1-based): chr16:4,335,311, C>T. VCF-style: chr16-4335311-C-T. GRCh37 (hg19) VCF-style: chr16-4385312-C-T.
Other names: c.693C>T, p.Asn231= (NM_001318918.2).
Identifiers: ClinVar variation 282353 (VCV000282353.23), dbSNP rs150071733, ClinGen allele CA7873089.

ClinVar aggregate classification (germline): Conflicting classifications of pathogenicity. Review status: criteria provided, conflicting classifications (1 of 4 stars). 5 submissions from 5 submitters: Uncertain significance (2); Likely benign (2). 1 of the submissions does not count toward it. Last evaluated 2025-10-21.

Conditions:
Nephronophthisis. Also called: Juvenile Nephronophthisis. Identifiers: Orphanet 655, MedGen C0687120, MONDO:0019005, HP:0000090.
Nephronophthisis 7 (NPHP7). Identifiers: Orphanet 655, MedGen C1969092, MONDO:0012680, OMIM 611498.
GLIS2-related disorder. Also called: GLIS2-related condition.
Kidney disorder. Also called: renal disease; Nephropathy; Kidney disease; Kidney Diseases; renal disorder. Identifiers: MedGen C0022658, MONDO:0005240, HP:0000112.

Allele frequency attached by ClinVar (database versions not stated): ESP Exome Variant Server 0.00008; 1000 Genomes Project 30x 0.00016; 1000 Genomes Project 0.00020; TOPMed 0.00021; gnomAD 0.00023 and 0.00025.
gnomAD v4.1: 260 of 1,613,798 alleles (0.016%); highest among the groups gnomAD compares: East Asian, 0.14%; no homozygotes.

Submissions (5):

Labcorp Genetics (formerly Invitae), Labcorp
Classification: Likely benign for Nephronophthisis. Last evaluated: 2025-10-21. Review status: criteria provided, single submitter. Criteria: Invitae Variant Classification Sherloc (09022015). Collection method: clinical testing. Allele origin: germline.

Illumina Laboratory Services, Illumina
Classification: Uncertain significance for Nephronophthisis 7. Last evaluated: 2018-01-12. Review status: criteria provided, single submitter. Criteria: ICSL Variant Classification Criteria 13 December 2019. Collection method: clinical testing. Allele origin: germline.

Genome Diagnostics Laboratory, The Hospital for Sick Children
Classification: Likely benign for Kidney disorder. Last evaluated: 2016-12-12. Review status: criteria provided, single submitter. Criteria: ACMG Guidelines, 2015. Collection method: clinical testing. Allele origin: germline.

Eurofins Ntd Llc (ga)
Classification: Uncertain significance. Last evaluated: 2015-09-14. Review status: criteria provided, single submitter. Criteria: EGL Classification Definitions 2015. Collection method: clinical testing. Allele origin: germline. Observed: 1 variant allele, 1 heterozygote.

PreventionGenetics, part of Exact Sciences
Classification: Likely benign for GLIS2-related condition. Last evaluated: 2020-12-23. Review status: no assertion criteria provided. Collection method: clinical testing. Allele origin: germline. Not counted in ClinVar's aggregate classification.
Comment: This variant is classified as likely benign based on ACMG/AMP sequence variant interpretation guidelines (Richards et al. 2015 PMID: 25741868, with internal and published modifications).